The following is an entry in ClinVar:

ClinVar aggregate classification (germline): Uncertain significance. Review status: criteria provided, multiple submitters, no conflicts (2 of 4 stars). 2 submissions from 2 submitters: Uncertain significance (2). Last evaluated 2023-08-04.

Conditions:
Inborn genetic diseases. Identifiers: MedGen C0950123, MeSH D030342.
Methylmalonic aciduria and homocystinuria type cblF. Also called: COBALAMIN F DISEASE; COBALAMIN, DEFECT IN LYSOSOMAL RELEASE OF; METHYLMALONIC ACIDEMIA AND HOMOCYSTINURIA, cblF TYPE; METHYLMALONIC ACIDURIA DUE TO VITAMIN B12-RELEASE DEFECT; VITAMIN B12 LYSOSOMAL RELEASE DEFECT; VITAMIN B12 STORAGE DISEASE. Identifiers: Orphanet 79284, MedGen C1848578, MONDO:0010183, OMIM 277380.

Allele frequency attached by ClinVar (database versions not stated): gnomAD 0.00001.

Submissions (2):

Ambry Genetics
Classification: Uncertain significance for Inborn genetic diseases. Last evaluated: 2023-08-04. Review status: criteria provided, single submitter. Criteria: Ambry Variant Classification Scheme 2023. Collection method: clinical testing. Allele origin: germline.

Labcorp Genetics (formerly Invitae), Labcorp
Classification: Uncertain significance for Methylmalonic aciduria and homocystinuria type cblF. Last evaluated: 2022-08-19. Review status: criteria provided, single submitter. Criteria: Invitae Variant Classification Sherloc (09022015). Collection method: clinical testing. Allele origin: germline.
Comment: This sequence change replaces arginine, which is basic and polar, with glutamine, which is neutral and polar, at codon 259 of the LMBRD1 protein (p.Arg259Gln). This variant is not present in population databases (gnomAD no frequency). This variant has not been reported in the literature in individuals affected with LMBRD1-related conditions. Algorithms developed to predict the effect of missense changes on protein structure and function (SIFT, PolyPhen-2, Align-GVGD) all suggest that this variant is likely to be disruptive. In summary, the available evidence is currently insufficient to determine the role of this variant in disease. Therefore, it has been classified as a Variant of Uncertain Significance.

NM_018368.4(LMBRD1):c.776G>A (p.Arg259Gln)

Gene: LMBRD1 (LMBR1 domain containing 1; minus strand). Cytogenetic location: 6q13.
Variant type: single nucleotide variant.
Coding change: c.776G>A on transcript NM_018368.4 (MANE Select); coding-DNA position 776, G replaced by A.
Protein change: p.Arg259Gln; replaces arginine 259 with glutamine.
Molecular consequence: missense variant.
Genome position (GRCh38, 1-based): chr6:69,713,784, C>T on the plus strand (G>A on the coding strand, the complement: LMBRD1 is on the minus strand). VCF-style: chr6-69713784-C-T. GRCh37 (hg19) VCF-style: chr6-70423676-C-T.
Other names: c.557G>A, p.Arg186Gln (NM_001363722.2, NM_001367271.1, NM_001367272.1); c.776G>A (NM_018368.3); short protein forms R186Q, R259Q.
Identifiers: ClinVar variation 1977561 (VCV001977561.4), dbSNP rs1766434751, ClinGen allele CA364667627.